The following is an entry in ClinVar:

ClinVar aggregate classification (germline): Benign/Likely benign. Review status: criteria provided, multiple submitters, no conflicts (2 of 4 stars). 2 submissions from 2 submitters: Benign (1); Likely benign (1). Last evaluated 2026-02-02.

Allele frequency attached by ClinVar (database versions not stated): ExAC 0.00067; gnomAD exomes 0.00067; gnomAD 0.00075 and 0.00076; TOPMed 0.00076; ESP Exome Variant Server 0.00085; 1000 Genomes Project 30x 0.00047; 1000 Genomes Project 0.00060.
gnomAD v4.1: 1,943 of 1,611,048 alleles (0.12%); highest among the groups gnomAD compares: Non-Finnish European, 0.16%; 3 homozygotes.

Submissions (2):

Labcorp Genetics (formerly Invitae), Labcorp
Classification: Likely benign. Last evaluated: 2026-02-02. Review status: criteria provided, single submitter. Criteria: Invitae Variant Classification Sherloc (09022015). Collection method: clinical testing. Allele origin: germline.

CeGaT Center for Human Genetics Tuebingen
Classification: Benign. Last evaluated: 2022-06-01. Review status: criteria provided, single submitter. Criteria: CeGaT Center For Human Genetics Tuebingen Variant Classification Criteria Version 2. Collection method: clinical testing. Allele origin: germline. Affected: yes. Observed: 1 variant allele.
Comment: ITGAM: BS1, BS2

NM_000632.4(ITGAM):c.1566A>T (p.Ala522=)

Gene: ITGAM (integrin subunit alpha M; plus strand). Cytogenetic location: 16p11.2.
Variant type: single nucleotide variant.
Coding change: c.1566A>T on transcript NM_000632.4 (MANE Select); coding-DNA position 1566, A replaced by T.
Protein change: p.Ala522=; no amino-acid change (alanine 522 retained).
Molecular consequence: synonymous variant.
Genome position (GRCh38, 1-based): chr16:31,297,813, A>T. VCF-style: chr16-31297813-A-T. GRCh37 (hg19) VCF-style: chr16-31309134-A-T.
Other names: c.1569A>T, p.Ala523= (NM_001145808.2).
Identifiers: ClinVar variation 1645586 (VCV001645586.32), dbSNP rs200376169, ClinGen allele CA8025604.
Genomic context (GRCh38, chr16:31,297,813, plus strand): 5'-GTGGCAGTGTGATGCTGTTCTCTACGGGGAGCAGGGCCAACCCTGGGGCCGCTTTGGGGC[A>T]GCCCTAACAGTGCTGGGGGACGTAAATGGGGACAAGCTGACGGACGTGGCCATTGGGGCC-3'
Protein context (NP_000623.2, residues 512-532): EQGQPWGRFG[Ala522=]ALTVLGDVNG